The following is an entry in ClinVar:

ClinVar aggregate classification (germline): Uncertain significance (1 of 4 stars; one submission).

Conditions:
Progressive myoclonic epilepsy. Also called: Myoclonus epilepsy; Familial progressive myoclonic epilepsy; Progressive myoclonus epilepsy; Myoclonic Epilepsies, Progressive. Identifiers: Orphanet 308, Orphanet 98261, MedGen C0751778, MONDO:0020074.

Allele frequency attached by ClinVar (database versions not stated): gnomAD exomes below 0.00001.
gnomAD v4.1: 2 of 1,614,138 alleles (0.00012%); highest among the groups gnomAD compares: South Asian, 0.0011%; no homozygotes.

Submission:

Labcorp Genetics (formerly Invitae), Labcorp
Classification: Uncertain significance for Progressive myoclonic epilepsy. Last evaluated: 2022-04-30. Review status: criteria provided, single submitter. Criteria: Invitae Variant Classification Sherloc (09022015). Collection method: clinical testing. Allele origin: germline.
Comment: This sequence change replaces lysine, which is basic and polar, with arginine, which is basic and polar, at codon 381 of the SCARB2 protein (p.Lys381Arg). This variant is present in population databases (no rsID available, gnomAD 0.003%). This variant has not been reported in the literature in individuals affected with SCARB2-related conditions. Algorithms developed to predict the effect of missense changes on protein structure and function are either unavailable or do not agree on the potential impact of this missense change (SIFT: "Tolerated"; PolyPhen-2: "Probably Damaging"; Align-GVGD: "Class C0"). In summary, the available evidence is currently insufficient to determine the role of this variant in disease. Therefore, it has been classified as a Variant of Uncertain Significance.

NM_005506.4(SCARB2):c.1142A>G (p.Lys381Arg)

Gene: SCARB2 (scavenger receptor class B member 2; minus strand). Cytogenetic location: 4q21.1.
Variant type: single nucleotide variant.
Coding change: c.1142A>G on transcript NM_005506.4 (MANE Select); coding-DNA position 1142, A replaced by G.
Protein change: p.Lys381Arg; replaces lysine 381 with arginine.
Molecular consequence: missense variant.
Genome position (GRCh38, 1-based): chr4:76,168,448, T>C on the plus strand (A>G on the coding strand, the complement: SCARB2 is on the minus strand). VCF-style: chr4-76168448-T-C. GRCh37 (hg19) VCF-style: chr4-77089601-T-C.
Other names: c.713A>G, p.Lys238Arg (NM_001204255.2); short protein forms K381R, K238R.
Identifiers: ClinVar variation 1963136 (VCV001963136.5), dbSNP rs1417665738, ClinGen allele CA357314334.